The following is an entry in ClinVar:

ClinVar aggregate classification (germline): Uncertain significance (1 of 4 stars; one submission).

Conditions:
Dilated cardiomyopathy 1G (CMD1G). Identifiers: Orphanet 154, MedGen C1858763, MONDO:0011400, OMIM 604145.
Autosomal recessive limb-girdle muscular dystrophy type 2J (LGMDR10). Also called: Limb-girdle muscular dystrophy, type 2J; MUSCULAR DYSTROPHY, LIMB-GIRDLE, AUTOSOMAL RECESSIVE 10. Identifiers: Orphanet 140922, MedGen C1837342, MONDO:0012127, OMIM 608807.

Submission:

Labcorp Genetics (formerly Invitae), Labcorp
Classification: Uncertain significance for Dilated cardiomyopathy 1G; Autosomal recessive limb-girdle muscular dystrophy type 2J. Last evaluated: 2021-08-03. Review status: criteria provided, single submitter. Criteria: Invitae Variant Classification Sherloc (09022015). Collection method: clinical testing. Allele origin: germline.
Comment: This sequence change falls in intron 168 of the TTN gene. It does not directly change the encoded amino acid sequence of the TTN protein. It affects a nucleotide within the consensus splice site of the intron. This variant is not present in population databases (ExAC no frequency). This variant has not been reported in the literature in individuals affected with TTN-related conditions. Variants that disrupts the consensus splice site are a relatively common cause of aberrant splicing (PMID: 17576681, 9536098). Algorithms developed to predict the effect of sequence changes on RNA splicing suggest that this variant may disrupt the consensus splice site. This variant is located in the I band of TTN (PMID: 25589632). Variants in this region may be clinically relevant, but have not been definitively shown to cause cardiomyopathy or neuromuscular disease (PMID: 27493940, 32778822). In summary, the available evidence is currently insufficient to determine the role of this variant in disease. Therefore, it has been classified as a Variant of Uncertain Significance.

Literature cited by the submitters: PubMed 17576681; PubMed 9536098; PubMed 25589632; PubMed 27493940; PubMed 32778822.

NM_001267550.2(TTN):c.36280+3A>G

Gene: TTN (titin; minus strand). Cytogenetic location: 2q31.2.
Variant type: single nucleotide variant.
Coding change: c.36280+3A>G on transcript NM_001267550.2 (MANE Select); 3 bases into the intron after coding-DNA position 36280, A replaced by G.
Molecular consequence: intron variant.
Genome position (GRCh38, 1-based): chr2:178,664,457, T>C on the plus strand (A>G on the coding strand, the complement: TTN is on the minus strand). VCF-style: chr2-178664457-T-C. GRCh37 (hg19) VCF-style: chr2-179529184-T-C.
Other names: c.13283-22140A>G (NM_003319.4); c.13859-22140A>G (NM_133437.4); c.13658-22140A>G (NM_133432.3); c.31484-1402A>G (NM_133378.4); c.34265-1402A>G (NM_001256850.1).
Identifiers: ClinVar variation 1500168 (VCV001500168.3), dbSNP rs2154259799, ClinGen allele CA2573133811.